The following is an entry in ClinVar:

ClinVar aggregate classification (germline): Uncertain significance (1 of 4 stars; one submission).

Conditions:
Norman-Roberts syndrome (LIS2). Also called: Lissencephaly 2 (Norman-Roberts type). Identifiers: Orphanet 89844, MedGen C0796089, MONDO:0009760, OMIM 257320.
Familial temporal lobe epilepsy 7. Identifiers: Orphanet 101046, MedGen C4225327, MONDO:0014639, OMIM 616436.

Allele frequency attached by ClinVar (database versions not stated): gnomAD exomes below 0.00001; gnomAD 0.00001; TOPMed 0.00001.
gnomAD v4.1: 2 of 1,612,758 alleles (0.00012%); highest among the groups gnomAD compares: African/African-American, 0.0013%; no homozygotes.

Submission:

Labcorp Genetics (formerly Invitae), Labcorp
Classification: Uncertain significance for Familial temporal lobe epilepsy 7; Norman-Roberts syndrome. Last evaluated: 2021-12-27. Review status: criteria provided, single submitter. Criteria: Invitae Variant Classification Sherloc (09022015). Collection method: clinical testing. Allele origin: germline.
Comment: In summary, the available evidence is currently insufficient to determine the role of this variant in disease. Therefore, it has been classified as a Variant of Uncertain Significance. Algorithms developed to predict the effect of missense changes on protein structure and function are either unavailable or do not agree on the potential impact of this missense change (SIFT: "Deleterious"; PolyPhen-2: "Benign"; Align-GVGD: "Class C0"). This variant has not been reported in the literature in individuals affected with RELN-related conditions. This variant is not present in population databases (gnomAD no frequency). This sequence change replaces threonine, which is neutral and polar, with alanine, which is neutral and non-polar, at codon 567 of the RELN protein (p.Thr567Ala).

NM_005045.4(RELN):c.1699A>G (p.Thr567Ala)

Gene: RELN (reelin; minus strand). Cytogenetic location: 7q22.1.
Variant type: single nucleotide variant.
Coding change: c.1699A>G on transcript NM_005045.4 (MANE Select); coding-DNA position 1699, A replaced by G.
Protein change: p.Thr567Ala; replaces threonine 567 with alanine.
Molecular consequence: missense variant.
Genome position (GRCh38, 1-based): chr7:103,652,615, T>C on the plus strand (A>G on the coding strand, the complement: RELN is on the minus strand). VCF-style: chr7-103652615-T-C. GRCh37 (hg19) VCF-style: chr7-103293062-T-C.
Other names: c.1699A>G, p.Thr567Ala (NM_173054.3); short protein forms T567A.
Identifiers: ClinVar variation 2062938 (VCV002062938.4), dbSNP rs1832944054, ClinGen allele CA368765502.
Genomic context (GRCh38, chr7:103,652,615, plus strand): 5'-TACCAGGCTGATGCGTTCCACATCCCAGATTGATGGAAAACTGTATCATGTGAGACATTG[T>C]AGAAGGGAGAACAGGCAAGACATGGAAAAAGTCTACAGCCCAGACATTCCTATTATGTCC-3'
Protein context (NP_005036.2, residues 557-577): FFHVLPVLPS[Thr567Ala]MSHMIQFSIN